The following is an entry in ClinVar:

ClinVar aggregate classification (germline): Uncertain significance (1 of 4 stars; one submission).

Submission:

Dasa
Classification: Uncertain significance. Last evaluated: 2025-09-26. Review status: criteria provided, single submitter. Criteria: DASA Assertion Criteria. Collection method: clinical testing. Allele origin: germline.
Comment: NM_007279.3(U2AF2):c.1408C>A (p.His470Asn) is a missense variant that results in the substitution of histidine with asparagine. This variant is absent from population databases. The currently available literature and clinical evidence are not sufficient to establish a definitive association between this variant and the reported condition. Therefore, this variant is classified as a variant of uncertain significance.

NM_007279.3(U2AF2):c.1408C>A (p.His470Asn)

Gene: U2AF2 (U2 small nuclear RNA auxiliary factor 2; plus strand). Cytogenetic location: 19q13.42.
Variant type: single nucleotide variant.
Coding change: c.1408C>A on transcript NM_007279.3 (MANE Select); coding-DNA position 1408, C replaced by A.
Protein change: p.His470Asn; replaces histidine 470 with asparagine.
Molecular consequence: missense variant.
Genome position (GRCh38, 1-based): chr19:55,674,048, C>A. VCF-style: chr19-55674048-C-A. GRCh37 (hg19) VCF-style: chr19-56185414-C-A.
Other names: c.1396C>A, p.His466Asn (NM_001012478.2); short protein forms H466N, H470N.
Identifiers: ClinVar variation 4883548 (VCV004883548.2).